The following is an entry in ClinVar:

NM_003803.4(MYOM1):c.4628C>T (p.Thr1543Ile)

Gene: MYOM1 (myomesin 1; minus strand). Cytogenetic location: 18p11.31.
Variant type: single nucleotide variant.
Coding change: c.4628C>T on transcript NM_003803.4 (MANE Select); coding-DNA position 4628, C replaced by T.
Protein change: p.Thr1543Ile; replaces threonine 1543 with isoleucine.
Molecular consequence: missense variant.
Genome position (GRCh38, 1-based): chr18:3,079,199, G>A on the plus strand (C>T on the coding strand, the complement: MYOM1 is on the minus strand). VCF-style: chr18-3079199-G-A. GRCh37 (hg19) VCF-style: chr18-3079197-G-A.
Other names: c.4340C>T, p.Thr1447Ile (NM_019856.2); short protein forms T1447I, T1543I.
Identifiers: ClinVar variation 2625119 (VCV002625119.2), dbSNP rs745845070, ClinGen allele CA8873894.
Genomic context (GRCh38, chr18:3,079,199, plus strand): 5'-TCATCTAGAGTAAATTTGAATCTGCAAAATATCTGTTTACCTTGTCCAGAGAGATCCACT[G>A]TCTTCTGATGTCCAGTTTTGCCATCAAAGAGCTCCATGACATACTTCCCTTTGTCATTCG-3'
Protein context (NP_003794.3, residues 1533-1553): LFDGKTGHQK[Thr1543Ile]VDLSGQAYDE

ClinVar aggregate classification (germline): Uncertain significance (1 of 4 stars; one submission).

Allele frequency attached by ClinVar (database versions not stated): gnomAD exomes below 0.00001; ExAC 0.00001.
gnomAD v4.1: 2 of 1,613,808 alleles (0.00012%); highest among the groups gnomAD compares: East Asian, 0.0022%; no homozygotes.

Submission:

Ambry Genetics
Classification: Uncertain significance. Last evaluated: 2023-09-06. Review status: criteria provided, single submitter. Criteria: Ambry Variant Classification Scheme 2023. Collection method: clinical testing. Allele origin: germline.
Comment: The p.T1543I variant (also known as c.4628C>T), located in coding exon 33 of the MYOM1 gene, results from a C to T substitution at nucleotide position 4628. The threonine at codon 1543 is replaced by isoleucine, an amino acid with similar properties. This amino acid position is conserved. In addition, this alteration is predicted to be tolerated by in silico analysis. Since supporting evidence is limited at this time, the clinical significance of this alteration remains unclear.